The following is an entry in ClinVar:

NM_000179.3(MSH6):c.2403G>T (p.Val801=)

Gene: MSH6 (mutS homolog 6; plus strand). Cytogenetic location: 2p16.3.
Variant type: single nucleotide variant.
Coding change: c.2403G>T on transcript NM_000179.3 (MANE Select); coding-DNA position 2403, G replaced by T.
Protein change: p.Val801=; no amino-acid change (valine 801 retained).
Molecular consequence: synonymous variant.
Genome position (GRCh38, 1-based): chr2:47,800,386, G>T. VCF-style: chr2-47800386-G-T. GRCh37 (hg19) VCF-style: chr2-48027525-G-T.
Other names: c.2013G>T, p.Val671= (NM_001281492.2); c.1497G>T, p.Val499= (NM_001281493.2, NM_001281494.2).
Identifiers: ClinVar variation 758437 (VCV000758437.15), dbSNP rs1572727035, ClinGen allele CA426121790.

ClinVar aggregate classification (germline): Benign/Likely benign. Review status: criteria provided, multiple submitters, no conflicts (2 of 4 stars). 6 submissions from 6 submitters: Benign (1); Likely benign (5). Last evaluated 2024-12-31.

Conditions:
Lynch syndrome 5 (LYNCH5). Also called: Colorectal cancer, hereditary nonpolyposis, type 5; Hereditary non-polyposis colorectal cancer, type 5. Identifiers: Orphanet 144, MedGen C1833477, MONDO:0013710, OMIM 614350. Disease mechanism: loss of function.
Hereditary nonpolyposis colorectal neoplasms. Identifiers: MedGen C0009405, MeSH D003123.
Hereditary cancer-predisposing syndrome. Also called: Tumor predisposition; Neoplastic Syndromes, Hereditary; Hereditary Cancer Syndrome; Hereditary neoplastic syndrome. Identifiers: Orphanet 140162, MedGen C0027672, MeSH D009386, MONDO:0015356.

gnomAD v4.1: 1 of 1,614,054 alleles (0.000062%); no homozygotes.

Submissions (6):

Myriad Genetics, Inc.
Classification: Benign for Lynch syndrome 5. Last evaluated: 2024-12-31. Review status: criteria provided, single submitter. Criteria: Myriad Autosomal Dominant, Autosomal Recessive and X-Linked Classification Criteria (2023). Collection method: clinical testing. Allele origin: unknown.
Comment: This variant is considered benign. This variant is a silent/synonymous amino acid change and it is not expected to impact splicing.

Institute for Biomarker Research, Medical Diagnostic Laboratories, L.L.C.
Classification: Likely benign for Hereditary cancer-predisposing syndrome. Last evaluated: 2023-10-17. Review status: criteria provided, single submitter. Criteria: ACMG Guidelines, 2015. Collection method: clinical testing. Allele origin: germline.

Women's Health and Genetics/Laboratory Corporation of America, LabCorp
Classification: Likely benign. Last evaluated: 2022-06-13. Review status: criteria provided, single submitter. Criteria: LabCorp Variant Classification Summary - May 2015. Collection method: clinical testing. Allele origin: germline.

Labcorp Genetics (formerly Invitae), Labcorp
Classification: Likely benign for Hereditary nonpolyposis colorectal neoplasms. Last evaluated: 2022-05-27. Review status: criteria provided, single submitter. Criteria: Invitae Variant Classification Sherloc (09022015). Collection method: clinical testing. Allele origin: germline.

Ambry Genetics
Classification: Likely benign for Hereditary cancer-predisposing syndrome. Last evaluated: 2021-01-29. Review status: criteria provided, single submitter. Criteria: Ambry Variant Classification Scheme 2023. Collection method: clinical testing. Allele origin: germline.

Color Diagnostics, LLC DBA Color Health
Classification: Likely benign for Hereditary cancer-predisposing syndrome. Last evaluated: 2018-11-26. Review status: criteria provided, single submitter. Criteria: ACMG Guidelines, 2015. Collection method: clinical testing. Allele origin: germline.